The following is an entry in ClinVar:

ClinVar aggregate classification (germline): Conflicting classifications of pathogenicity. Review status: criteria provided, conflicting classifications (1 of 4 stars). 3 submissions from 3 submitters: Uncertain significance (2); Likely benign (1). Last evaluated 2026-07-13.

Conditions:
RPS6KA3-related disorder. Also called: RPS6KA3-related condition.
Intellectual developmental disorder, X-linked 19. Also called: Intellectual disability, X-linked 19. Identifiers: Orphanet 777, MedGen C0796225, MONDO:0010447, OMIM 300844.
Coffin-Lowry syndrome (CLS). Also called: COFFIN-LOWRY SYNDROME, MILD; Mental retardation with osteocartilaginous abnormalities. Identifiers: Orphanet 192, MedGen C0265252, MONDO:0010561, OMIM 303600.

Allele frequency attached by ClinVar (database versions not stated): gnomAD 0.00002; gnomAD exomes 0.00002 and 0.00001; TOPMed 0.00001; ExAC 0.00002.
gnomAD v4.1: 18 of 1,147,862 alleles (0.0016%); highest among the groups gnomAD compares: Non-Finnish European, 0.0021%; no homozygotes.

Submissions (3):

PreventionGenetics, part of Exact Sciences
Classification: Uncertain significance for RPS6KA3-related condition. Last evaluated: 2026-07-13. Review status: criteria provided, single submitter. Criteria: ACMG Guidelines, 2015. Collection method: clinical testing. Allele origin: germline.
Comment: The RPS6KA3 c.1362T>G variant is predicted to result in the amino acid substitution p.Asp454Glu. To our knowledge, this variant has not been reported in the literature. This variant is reported in 0.0043% of alleles in individuals of European (Non-Finnish) descent in gnomAD. At this time, the clinical significance of this variant is uncertain due to the absence of conclusive functional and genetic evidence.

Labcorp Genetics (formerly Invitae), Labcorp
Classification: Likely benign for Coffin-Lowry syndrome; Intellectual developmental disorder, X-linked 19. Last evaluated: 2025-12-16. Review status: criteria provided, single submitter. Criteria: Invitae Variant Classification Sherloc (09022015). Collection method: clinical testing. Allele origin: germline.

Revvity Omics, Revvity
Classification: Uncertain significance. Last evaluated: 2023-11-03. Review status: criteria provided, single submitter. Criteria: ACMG Guidelines, 2015. Collection method: clinical testing. Allele origin: germline.

NM_004586.3(RPS6KA3):c.1362T>G (p.Asp454Glu)

Gene: RPS6KA3 (ribosomal protein S6 kinase A3; minus strand). Cytogenetic location: Xp22.12.
Variant type: single nucleotide variant.
Coding change: c.1362T>G on transcript NM_004586.3 (MANE Select); coding-DNA position 1362, T replaced by G.
Protein change: p.Asp454Glu; replaces aspartic acid 454 with glutamic acid.
Molecular consequence: missense variant.
Genome position (GRCh38, 1-based): chrX:20,169,483, A>C on the plus strand (T>G on the coding strand, the complement: RPS6KA3 is on the minus strand). VCF-style: chrX-20169483-A-C. GRCh37 (hg19) VCF-style: chrX-20187601-A-C.
Other names: c.1362T>G (NM_004586.2); short protein forms D454E.
Identifiers: ClinVar variation 1509111 (VCV001509111.11), dbSNP rs762253691, ClinGen allele CA10366115.